The following is an entry in ClinVar:

ClinVar aggregate classification (germline): Uncertain significance (1 of 4 stars; one submission).

Conditions:
Familial meningioma. Also called: Meningioma, familial, susceptibility to. Identifiers: Orphanet 263662, MedGen C3551915, MONDO:0011789, OMIM 607174.

Submission:

Labcorp Genetics (formerly Invitae), Labcorp
Classification: Uncertain significance for Familial meningioma. Last evaluated: 2021-11-02. Review status: criteria provided, single submitter. Criteria: Invitae Variant Classification Sherloc (09022015). Collection method: clinical testing. Allele origin: germline.
Comment: In summary, the available evidence is currently insufficient to determine the role of this variant in disease. Therefore, it has been classified as a Variant of Uncertain Significance. This sequence change replaces aspartic acid, which is acidic and polar, with glycine, which is neutral and non-polar, at codon 109 of the SMARCE1 protein (p.Asp109Gly). This variant is not present in population databases (gnomAD no frequency). This variant has not been reported in the literature in individuals affected with SMARCE1-related conditions. Algorithms developed to predict the effect of missense changes on protein structure and function are either unavailable or do not agree on the potential impact of this missense change (SIFT: "Deleterious"; PolyPhen-2: "Possibly Damaging"; Align-GVGD: "Class C0"). RNA analysis indicates that this missense change does not impact mRNA splicing (Invitae).

NM_003079.5(SMARCE1):c.326A>G (p.Asp109Gly)

Gene: SMARCE1 (SWI/SNF related BAF chromatin remodeling complex subunit E1; minus strand). Cytogenetic location: 17q21.2.
Variant type: single nucleotide variant.
Coding change: c.326A>G on transcript NM_003079.5 (MANE Select); coding-DNA position 326, A replaced by G.
Protein change: p.Asp109Gly; replaces aspartic acid 109 with glycine.
Molecular consequence: missense variant.
Genome position (GRCh38, 1-based): chr17:40,636,438, T>C on the plus strand (A>G on the coding strand, the complement: SMARCE1 is on the minus strand). VCF-style: chr17-40636438-T-C. GRCh37 (hg19) VCF-style: chr17-38792690-T-C.
Other names: short protein forms D109G.
Identifiers: ClinVar variation 1501204 (VCV001501204.6), dbSNP rs2143997323, ClinGen allele CA399367152.
Genomic context (GRCh38, chr17:40,636,438, plus strand): 5'-GTGAGCCCCTACCCTACCTTTTCTGCTTCGTATTCGTTTAAATATTCTTGTTTTTCTTCA[T>C]CAGTGAGATCTCGCCACATGCCACCAATAATCTTGCCAATCTCCCACAACTTTAGGTCAG-3'
Protein context (NP_003070.3, residues 99-119): IIGGMWRDLT[Asp109Gly]EEKQEYLNEY